The following is an entry in ClinVar:

NM_001042750.2(STAG2):c.1298A>G (p.Tyr433Cys)

Gene: STAG2 (STAG2 cohesin complex component; plus strand). Cytogenetic location: Xq25.
Variant type: single nucleotide variant.
Coding change: c.1298A>G on transcript NM_001042750.2 (MANE Select); coding-DNA position 1298, A replaced by G.
Protein change: p.Tyr433Cys; replaces tyrosine 433 with cysteine.
Molecular consequence: missense variant.
Genome position (GRCh38, 1-based): chrX:124,056,229, A>G. VCF-style: chrX-124056229-A-G. GRCh37 (hg19) VCF-style: chrX-123190079-A-G.
Other names: c.1298A>G, p.Tyr433Cys (NM_001042749.2, NM_001042751.2, NM_001282418.2 and 13 more transcripts); short protein forms Y433C.
Identifiers: ClinVar variation 3253554 (VCV003253554.3), dbSNP rs764885530.

ClinVar aggregate classification (germline): Uncertain significance. Review status: criteria provided, multiple submitters, no conflicts (2 of 4 stars). 2 submissions from 2 submitters: Uncertain significance (2). Last evaluated 2026-01-05.

Allele frequency attached by ClinVar (database versions not stated): TOPMed 0.00001; ExAC 0.00001; gnomAD 0.00001.

Submissions (2):

GeneDx
Classification: Uncertain significance. Last evaluated: 2026-01-05. Review status: criteria provided, single submitter. Criteria: GeneDx Variant Classification Process June 2021. Collection method: clinical testing. Allele origin: germline.
Comment: In silico analysis supports that this missense variant has a deleterious effect on protein structure/function; Has not been previously published as pathogenic or benign to our knowledge

Labcorp Genetics (formerly Invitae), Labcorp
Classification: Uncertain significance. Last evaluated: 2025-04-02. Review status: criteria provided, single submitter. Criteria: Invitae Variant Classification Sherloc (09022015). Collection method: clinical testing. Allele origin: germline.
Comment: This sequence change replaces tyrosine, which is neutral and polar, with cysteine, which is neutral and slightly polar, at codon 433 of the STAG2 protein (p.Tyr433Cys). This variant is present in population databases (rs764885530, gnomAD 0.008%). This variant has not been reported in the literature in individuals affected with STAG2-related conditions. ClinVar contains an entry for this variant (Variation ID: 3253554). Invitae Evidence Modeling of protein sequence and biophysical properties (such as structural, functional, and spatial information, amino acid conservation, physicochemical variation, residue mobility, and thermodynamic stability) indicates that this missense variant is not expected to disrupt STAG2 protein function with a negative predictive value of 80%. In summary, the available evidence is currently insufficient to determine the role of this variant in disease. Therefore, it has been classified as a Variant of Uncertain Significance.